The following is an entry in ClinVar:

ClinVar aggregate classification (germline): Pathogenic (1 of 4 stars; one submission).

Conditions:
Osteogenesis imperfecta type I (OI1). Also called: Lobstein's Disease; Lobstein disease; Classic Non-deforming Osteogenesis Imperfecta with Blue Sclerae; OI, TYPE I; OSTEOGENESIS IMPERFECTA TARDA; OSTEOGENESIS IMPERFECTA WITH BLUE SCLERAE. Identifiers: Orphanet 216796, Orphanet 666, MedGen C0023931, MONDO:0008146, OMIM 166200. Disease mechanism: loss of function.

Submission:

Labcorp Genetics (formerly Invitae), Labcorp
Classification: Pathogenic for Osteogenesis imperfecta type I. Last evaluated: 2025-05-18. Review status: criteria provided, single submitter. Criteria: Invitae Variant Classification Sherloc (09022015). Collection method: clinical testing. Allele origin: germline.
Comment: This sequence change creates a premature translational stop signal (p.Gly404Valfs*137) in the COL1A1 gene. It is expected to result in an absent or disrupted protein product. Loss-of-function variants in COL1A1 are known to be pathogenic (PMID: 7942841, 9295084, 9443882). This variant is not present in population databases (gnomAD no frequency). This variant has not been reported in the literature in individuals affected with COL1A1-related conditions. ClinVar contains an entry for this variant (Variation ID: 3728632). For these reasons, this variant has been classified as Pathogenic.

Literature cited by the submitters: PubMed 7942841; PubMed 9295084; PubMed 9443882.

NM_000088.4(COL1A1):c.1211del (p.Gly404fs)

Gene: COL1A1 (collagen type I alpha 1 chain; minus strand). Cytogenetic location: 17q21.33.
Variant type: Deletion.
Coding change: c.1211del on transcript NM_000088.4 (MANE Select); coding-DNA position 1211, one base deleted (G; older notation c.1211delG).
Protein change: p.Gly404fs; shifts the reading frame from glycine 404.
Molecular consequence: frameshift variant.
Genome position (GRCh38, 1-based): chr17:50,195,320, C deleted on the plus strand (G on the coding strand, the reverse complement: COL1A1 is on the minus strand); the first of 2 consecutive C bases (chr17:50,195,320-50,195,321); deleting either gives the same sequence. VCF-style (leftmost placement, unchanged base first): chr17-50195319-AC-A. GRCh37 (hg19) VCF-style: chr17-48272680-AC-A.
Other names: short protein forms G404fs.
Identifiers: ClinVar variation 3728632 (VCV003728632.2).